The following is an entry in ClinVar:

NM_000078.3(CETP):c.85G>A (p.Val29Met)

Gene: CETP (cholesteryl ester transfer protein; plus strand). Cytogenetic location: 16q13.
Variant type: single nucleotide variant.
Coding change: c.85G>A on transcript NM_000078.3 (MANE Select); coding-DNA position 85, G replaced by A.
Protein change: p.Val29Met; replaces valine 29 with methionine.
Molecular consequence: missense variant.
Genome position (GRCh38, 1-based): chr16:56,962,064, G>A. VCF-style: chr16-56962064-G-A. GRCh37 (hg19) VCF-style: chr16-56995976-G-A.
Other names: c.85G>A, p.Val29Met (NM_001286085.2); short protein forms V29M.
Identifiers: ClinVar variation 3003853 (VCV003003853.3), dbSNP rs747564264, ClinGen allele CA8070744.

ClinVar aggregate classification (germline): Uncertain significance (1 of 4 stars; one submission).

Allele frequency attached by ClinVar (database versions not stated): ExAC 0.00001; gnomAD 0.00001; TOPMed 0.00001.
gnomAD v4.1: 12 of 1,613,982 alleles (0.00074%); highest among the groups gnomAD compares: Admixed American, 0.0033%; no homozygotes.

Submission:

Labcorp Genetics (formerly Invitae), Labcorp
Classification: Uncertain significance. Last evaluated: 2023-05-25. Review status: criteria provided, single submitter. Criteria: Invitae Variant Classification Sherloc (09022015). Collection method: clinical testing. Allele origin: germline.
Comment: In summary, the available evidence is currently insufficient to determine the role of this variant in disease. Therefore, it has been classified as a Variant of Uncertain Significance. Advanced modeling of protein sequence and biophysical properties (such as structural, functional, and spatial information, amino acid conservation, physicochemical variation, residue mobility, and thermodynamic stability) performed at Invitae indicates that this missense variant is expected to disrupt CETP protein function. This variant has not been reported in the literature in individuals affected with CETP-related conditions. This variant is present in population databases (rs747564264, gnomAD 0.006%). This sequence change replaces valine, which is neutral and non-polar, with methionine, which is neutral and non-polar, at codon 29 of the CETP protein (p.Val29Met).